The following is an entry in ClinVar:

ClinVar aggregate classification (germline): Benign. Review status: criteria provided, multiple submitters, no conflicts (2 of 4 stars). 3 submissions from 3 submitters: Benign (3). Last evaluated 2026-01-22.

Conditions:
Immunodeficiency due to MASP-2 deficiency. Also called: MASP2 deficiency; LECTIN COMPLEMENT ACTIVATION PATHWAY, DEFECT IN, 2. Identifiers: Orphanet 331187, MedGen C3151085, MONDO:0013423, OMIM 613791.

Allele frequency attached by ClinVar (database versions not stated): gnomAD exomes 0.00075 and 0.00225; ExAC 0.00267; ESP Exome Variant Server 0.00784; gnomAD 0.00800 and 0.00838; TOPMed 0.00879; 1000 Genomes Project 0.01398; 1000 Genomes Project 30x 0.01546.
gnomAD v4.1: 2,377 of 1,613,848 alleles (0.15%); highest among the groups gnomAD compares: African/African-American, 2.6%; 34 homozygotes.

Submissions (3):

Women's Health and Genetics/Laboratory Corporation of America, LabCorp
Classification: Benign. Last evaluated: 2026-01-22. Review status: criteria provided, single submitter. Criteria: LabCorp Variant Classification Summary - May 2015. Collection method: clinical testing. Allele origin: germline.

Illumina Laboratory Services, Illumina
Classification: Benign for Immunodeficiency due to MASP-2 deficiency. Last evaluated: 2018-01-13. Review status: criteria provided, single submitter. Criteria: ICSL Variant Classification Criteria 13 December 2019. Collection method: clinical testing. Allele origin: germline.
Comment: This variant was observed in the ICSL laboratory as part of a predisposition screen in an ostensibly healthy population. It had not been previously curated by ICSL or reported in the Human Gene Mutation Database (HGMD: prior to June 1st, 2018), and was therefore a candidate for classification through an automated scoring system. Utilizing variant allele frequency, disease prevalence and penetrance estimates, and inheritance mode, an automated score was calculated to assess if this variant is too frequent to cause the disease. Based on the score and internal cut-off values, a variant classified as benign is not then subjected to further curation. The score for this variant resulted in a classification of benign for this disease.

Breakthrough Genomics
Classification: Benign. Review status: criteria provided, single submitter. Criteria: ACMG Guidelines, 2015. Collection method: not provided. Allele origin: germline. Inheritance: Autosomal recessive inheritance. Affected: yes.

NM_006610.4(MASP2):c.408C>T (p.Ala136=)

Gene: MASP2 (MBL associated serine protease 2; minus strand). Cytogenetic location: 1p36.22.
Variant type: single nucleotide variant.
Coding change: c.408C>T on transcript NM_006610.4 (MANE Select); coding-DNA position 408, C replaced by T.
Protein change: p.Ala136=; no amino-acid change (alanine 136 retained).
Molecular consequence: synonymous variant.
Genome position (GRCh38, 1-based): chr1:11,046,560, G>A on the plus strand (C>T on the coding strand, the complement: MASP2 is on the minus strand). VCF-style: chr1-11046560-G-A. GRCh37 (hg19) VCF-style: chr1-11106617-G-A.
Other names: c.408C>T, p.Ala136= (NM_139208.3).
Identifiers: ClinVar variation 874901 (VCV000874901.6), dbSNP rs138386377, ClinGen allele CA587155.